The following is an entry in ClinVar:

ClinVar aggregate classification (germline): Uncertain significance (1 of 4 stars; one submission).

Conditions:
X-linked severe combined immunodeficiency (SCIDX1). Also called: IMMUNODEFICIENCY 4; SCID, X-LINKED; SEVERE COMBINED IMMUNODEFICIENCY, X-LINKED, T CELL-NEGATIVE, B CELL-POSITIVE, NK CELL-NEGATIVE; T-B+ severe combined immunodeficiency due to gamma chain deficiency; X-Linked Combined Immunodeficiency Diseases. Identifiers: Orphanet 276, MedGen C6022468, MONDO:0010315, OMIM 300400. Disease mechanism: loss of function.

Submission:

Labcorp Genetics (formerly Invitae), Labcorp
Classification: Uncertain significance for X-linked severe combined immunodeficiency. Last evaluated: 2023-01-03. Review status: criteria provided, single submitter. Criteria: Invitae Variant Classification Sherloc (09022015). Collection method: clinical testing. Allele origin: germline.
Comment: In summary, the available evidence is currently insufficient to determine the role of this variant in disease. Therefore, it has been classified as a Variant of Uncertain Significance. This variant disrupts the p.Gly271 amino acid residue in IL2RG. Other variant(s) that disrupt this residue have been observed in individuals with IL2RG-related conditions (PMID: 10794430), which suggests that this may be a clinically significant amino acid residue. Advanced modeling of protein sequence and biophysical properties (such as structural, functional, and spatial information, amino acid conservation, physicochemical variation, residue mobility, and thermodynamic stability) has been performed at Invitae for this missense variant, however the output from this modeling did not meet the statistical confidence thresholds required to predict the impact of this variant on IL2RG protein function. This missense change has been observed in individual(s) with severe combined immunodeficiency (PMID: 32888943; Invitae). This variant is not present in population databases (gnomAD no frequency). This sequence change replaces glycine, which is neutral and non-polar, with arginine, which is basic and polar, at codon 271 of the IL2RG protein (p.Gly271Arg).

Literature cited by the submitters: PubMed 10794430; PubMed 32888943.

NM_000206.3(IL2RG):c.811G>A (p.Gly271Arg)

Gene: IL2RG (interleukin 2 receptor subunit gamma; minus strand). Cytogenetic location: Xq13.1.
Variant type: single nucleotide variant.
Coding change: c.811G>A on transcript NM_000206.3 (MANE Select); coding-DNA position 811, G replaced by A.
Protein change: p.Gly271Arg; replaces glycine 271 with arginine.
Molecular consequence: missense variant.
Genome position (GRCh38, 1-based): chrX:71,108,642, C>T on the plus strand (G>A on the coding strand, the complement: IL2RG is on the minus strand). VCF-style: chrX-71108642-C-T. GRCh37 (hg19) VCF-style: chrX-70328492-C-T.
Other names: short protein forms G271R.
Identifiers: ClinVar variation 2032685 (VCV002032685.4), dbSNP rs868130123, ClinGen allele CA413628647.